The following is an entry in ClinVar:

ClinVar aggregate classification (germline): Uncertain significance (1 of 4 stars; one submission).

Conditions:
Spastic paraplegia. Identifiers: MedGen C0037772, HP:0001258.

Allele frequency attached by ClinVar (database versions not stated): gnomAD 0.00004; gnomAD exomes 0.00005 and 0.00011; ExAC 0.00013.
gnomAD v4.1: 44 of 1,298,066 alleles (0.0034%); highest among the groups gnomAD compares: Non-Finnish European, 0.00061%; no homozygotes.

Submission:

Labcorp Genetics (formerly Invitae), Labcorp
Classification: Uncertain significance for Spastic paraplegia. Last evaluated: 2021-02-12. Review status: criteria provided, single submitter. Criteria: Invitae Variant Classification Sherloc (09022015). Collection method: clinical testing. Allele origin: germline.
Comment: Algorithms developed to predict the effect of missense changes on protein structure and function (SIFT, PolyPhen-2, Align-GVGD) all suggest that this variant is likely to be disruptive, but these predictions have not been confirmed by published functional studies and their clinical significance is uncertain. This variant has not been reported in the literature in individuals with GJC2-related conditions. This variant is present in population databases (rs765598965, ExAC 0.03%). This sequence change replaces leucine with proline at codon 12 of the GJC2 protein (p.Leu12Pro). The leucine residue is highly conserved and there is a moderate physicochemical difference between leucine and proline. In summary, the available evidence is currently insufficient to determine the role of this variant in disease. Therefore, it has been classified as a Variant of Uncertain Significance.

NM_020435.4(GJC2):c.35T>C (p.Leu12Pro)

Gene: GJC2 (gap junction protein gamma 2; plus strand). Cytogenetic location: 1q42.13.
Variant type: single nucleotide variant.
Coding change: c.35T>C on transcript NM_020435.4 (MANE Select); coding-DNA position 35, T replaced by C.
Protein change: p.Leu12Pro; replaces leucine 12 with proline.
Molecular consequence: missense variant.
Genome position (GRCh38, 1-based): chr1:228,157,793, T>C. VCF-style: chr1-228157793-T-C. GRCh37 (hg19) VCF-style: chr1-228345494-T-C.
Other names: short protein forms L12P.
Identifiers: ClinVar variation 1441312 (VCV001441312.8), dbSNP rs765598965, ClinGen allele CA1430790.